The following is an entry in ClinVar:

NM_021939.4(FKBP10):c.14dup (p.Ser8fs)

Gene: FKBP10 (FKBP prolyl isomerase 10; plus strand). Cytogenetic location: 17q21.2.
Variant type: Duplication.
Coding change: c.14dup on transcript NM_021939.4 (MANE Select); coding-DNA position 14, one base duplicated (G; older notation c.14dupG).
Protein change: p.Ser8fs; shifts the reading frame from serine 8.
Molecular consequence: frameshift variant.
Genome position (GRCh38, 1-based): chr17:41,813,048, G duplicated; the last of 3 consecutive G bases (chr17:41,813,046-41,813,048); duplicating any one gives the same sequence. VCF-style (leftmost placement, unchanged base first): chr17-41813045-C-CG. GRCh37 (hg19) VCF-style: chr17-39969297-C-CG.
Other names: short protein forms S8fs.
Identifiers: ClinVar variation 2806224 (VCV002806224.3), dbSNP rs1302398047, ClinGen allele CA772061533.

ClinVar aggregate classification (germline): Pathogenic (1 of 4 stars; one submission).

Submission:

Labcorp Genetics (formerly Invitae), Labcorp
Classification: Pathogenic. Last evaluated: 2023-02-05. Review status: criteria provided, single submitter. Criteria: Invitae Variant Classification Sherloc (09022015). Collection method: clinical testing. Allele origin: germline.
Comment: For these reasons, this variant has been classified as Pathogenic. This variant has not been reported in the literature in individuals affected with FKBP10-related conditions. This sequence change creates a premature translational stop signal (p.Ser8Glnfs*67) in the FKBP10 gene. It is expected to result in an absent or disrupted protein product. Loss-of-function variants in FKBP10 are known to be pathogenic (PMID: 22689593, 22949511). This variant is not present in population databases (gnomAD no frequency).

Literature cited by the submitters: PubMed 22689593; PubMed 22949511.